The following is an entry in ClinVar:

ClinVar aggregate classification (germline): Uncertain significance (1 of 4 stars; one submission).

Conditions:
Branched-chain keto acid dehydrogenase kinase deficiency (BCKDKD). Also called: BCKDK DEFICIENCY. Identifiers: Orphanet 308410, MedGen C3554078, MONDO:0013970, OMIM 614923.

Allele frequency attached by ClinVar (database versions not stated): TOPMed below 0.00001; gnomAD exomes 0.00002; ExAC 0.00005; ESP Exome Variant Server 0.00008.

Submission:

Labcorp Genetics (formerly Invitae), Labcorp
Classification: Uncertain significance for Branched-chain keto acid dehydrogenase kinase deficiency. Last evaluated: 2023-08-04. Review status: criteria provided, single submitter. Criteria: Invitae Variant Classification Sherloc (09022015). Collection method: clinical testing. Allele origin: germline.
Comment: This sequence change replaces asparagine, which is neutral and polar, with serine, which is neutral and polar, at codon 248 of the BCKDK protein (p.Asn248Ser). This variant is present in population databases (rs377351118, gnomAD 0.007%). This variant has not been reported in the literature in individuals affected with BCKDK-related conditions. ClinVar contains an entry for this variant (Variation ID: 2172235). Advanced modeling of protein sequence and biophysical properties (such as structural, functional, and spatial information, amino acid conservation, physicochemical variation, residue mobility, and thermodynamic stability) performed at Invitae indicates that this missense variant is not expected to disrupt BCKDK protein function. In summary, the available evidence is currently insufficient to determine the role of this variant in disease. Therefore, it has been classified as a Variant of Uncertain Significance.

NM_005881.4(BCKDK):c.743A>G (p.Asn248Ser)

Gene: BCKDK (branched chain keto acid dehydrogenase kinase; plus strand). Cytogenetic location: 16p11.2.
Variant type: single nucleotide variant.
Coding change: c.743A>G on transcript NM_005881.4 (MANE Select); coding-DNA position 743, A replaced by G.
Protein change: p.Asn248Ser; replaces asparagine 248 with serine.
Molecular consequence: missense variant.
Genome position (GRCh38, 1-based): chr16:31,111,117, A>G. VCF-style: chr16-31111117-A-G. GRCh37 (hg19) VCF-style: chr16-31122438-A-G.
Other names: c.743A>G, p.Asn248Ser (NM_001122957.4, NM_001271926.3); short protein forms N248S.
Identifiers: ClinVar variation 2172235 (VCV002172235.4), dbSNP rs377351118, ClinGen allele CA8021682.
Genomic context (GRCh38, chr16:31,111,117, plus strand): 5'-GGGCCCCTGACTGAACCCTCGCTCCTATCCGCAGACGCCTGTGTGAGCACAAGTATGGCA[A>G]TGCGCCCCGTGTCCGCATCAATGGCCATGTGGCTGCCCGGTTCCCCTTCATCCCTATGCC-3'
Protein context (NP_005872.2, residues 238-258): ARRLCEHKYG[Asn248Ser]APRVRINGHV